The following is an entry in ClinVar:

NM_001042492.3(NF1):c.3871-19_3871-17delinsA

Gene: NF1 (neurofibromin 1; plus strand). Cytogenetic location: 17q11.2.
Variant type: Indel.
Coding change: c.3871-19_3871-17delinsA on transcript NM_001042492.3 (MANE Select); 19 bases into the intron before coding-DNA position 3871 through 17 bases into the intron before coding-DNA position 3871, TAT replaced by A.
Molecular consequence: intron variant.
Genome position (GRCh38, 1-based): chr17:31,235,899-31,235,901, TAT replaced by A. VCF-style: chr17-31235899-TAT-A. GRCh37 (hg19) VCF-style: chr17-29562917-TAT-A.
Other names: c.3871-19_3871-17delinsA (NM_000267.4).
Identifiers: ClinVar variation 4875890 (VCV004875890.1).

ClinVar aggregate classification (germline): Likely benign (1 of 4 stars; one submission).

Conditions:
Neurofibromatosis, type 1 (NF1). Also called: VON RECKLINGHAUSEN DISEASE; NEUROFIBROMATOSIS, TYPE I, SOMATIC; Peripheral type neurofibromatosis; Neurofibromatosis, type I. Identifiers: Orphanet 636, MedGen C0027831, MONDO:0018975, OMIM 162200. Disease mechanism: loss of function.

Submission:

Myriad Genetics, Inc.
Classification: Likely benign for Neurofibromatosis, type 1. Last evaluated: 2026-05-12. Review status: criteria provided, single submitter. Criteria: Myriad Autosomal Dominant, Autosomal Recessive and X-Linked Classification Criteria (2023). Collection method: clinical testing. Allele origin: unknown.
Comment: This variant is considered likely benign. This variant is intronic and is not expected to impact mRNA splicing.